The following is an entry in ClinVar:

ClinVar aggregate classification (germline): Uncertain significance. Review status: criteria provided, multiple submitters, no conflicts (2 of 4 stars). 2 submissions from 2 submitters: Uncertain significance (2). Last evaluated 2026-03-27.

Conditions:
Inborn genetic diseases. Identifiers: MedGen C0950123, MeSH D030342.

Allele frequency attached by ClinVar (database versions not stated): TOPMed 0.00001.

Submissions (2):

Ambry Genetics
Classification: Uncertain significance for Inborn genetic diseases. Last evaluated: 2026-03-27. Review status: criteria provided, single submitter. Criteria: Ambry Variant Classification Scheme 2023. Collection method: clinical testing. Allele origin: germline.

GeneDx
Classification: Uncertain significance. Last evaluated: 2014-09-18. Review status: criteria provided, single submitter. Criteria: GeneDx Variant Classification (06012015). Collection method: clinical testing. Allele origin: germline. Affected: yes.
Comment: p.Gly398Arg (GGC>CGC): c.1192 G>C in exon 8 of the WFS1 gene (NM_006005.3) The G398R variant has not been published as a mutation, nor has it been reported as a benign polymorphism to our knowledge. The G398R variant was not observed in approximately 6500 individuals of European and African American ancestry in the NHLBI Exome Sequencing Project, indicating it is not a common benign variant in these populations. The G398R variant is a non-conservative amino acid substitution, which is likely to impact secondary protein structure as these residues differ in polarity, charge, size and/or other properties. This substitution occurs at a position that is conserved across species. In silico analysis is inconsistent in its predictions as to whether or not the variant is damaging to the protein structure/function. Missense mutations in nearby residues (L402P) have been reported in association with Wolfram syndrome supporting the functional importance of this region of the protein. Therefore, based on the currently available information, it is unclear whether this variant is a pathogenic mutation or a rare benign variant. The variant is found in MITONUC-MITOP panel(s).

NM_006005.3(WFS1):c.1192G>C (p.Gly398Arg)

Gene: WFS1 (wolframin ER transmembrane glycoprotein; plus strand). Cytogenetic location: 4p16.1.
Variant type: single nucleotide variant.
Coding change: c.1192G>C on transcript NM_006005.3 (MANE Select); coding-DNA position 1192, G replaced by C.
Protein change: p.Gly398Arg; replaces glycine 398 with arginine.
Molecular consequence: missense variant.
Genome position (GRCh38, 1-based): chr4:6,300,987, G>C. VCF-style: chr4-6300987-G-C. GRCh37 (hg19) VCF-style: chr4-6302714-G-C.
Other names: p.G398R:GGC>CGC; c.1192G>C, p.Gly398Arg (NM_001145853.1); short protein forms G398R.
Identifiers: ClinVar variation 215411 (VCV000215411.3), dbSNP rs863224269, ClinGen allele CA325363.
Genomic context (GRCh38, chr4:6,300,987, plus strand): 5'-ACCGACCTGCTGCTGCGCTTCGAGCCCAACCTGGATGTGGAGCAGGCCGAGGTCAACTTC[G>C]GCTGGAACCACCTGGAGCCCTATGCCCATTTCCTGCTCTCTGTCTTCTTCGTCATCTTCT-3'
Protein context (NP_005996.2, residues 388-408): LDVEQAEVNF[Gly398Arg]WNHLEPYAHF